The following is an entry in ClinVar:

ClinVar aggregate classification (germline): Uncertain significance. Review status: criteria provided, multiple submitters, no conflicts (2 of 4 stars). 4 submissions from 4 submitters: Uncertain significance (4). Last evaluated 2025-09-22.

Conditions:
RYR1-related disorder. Also called: RYR1-related condition; RYR1-related disorders. Identifiers: MedGen CN239331.
Malignant hyperthermia, susceptibility to, 1 (MHS1). Also called: Malignant hyperthermia suceptibility 1; Anesthesia related hyperthermia; Malignant hyperpyrexia; Fulminating hyperpyrexia; Pharmacogenic myopathy; RYR1-Related Malignant Hyperthermia Susceptibility. Identifiers: Orphanet 423, MedGen C2930980, MONDO:0007783, OMIM 145600.
Inborn genetic diseases. Identifiers: MedGen C0950123, MeSH D030342.

gnomAD v4.1: 4 of 1,613,658 alleles (0.00025%); highest among the groups gnomAD compares: African/African-American, 0.0053%; no homozygotes.

Submissions (4):

Ambry Genetics
Classification: Uncertain significance for Inborn genetic diseases. Last evaluated: 2025-09-22. Review status: criteria provided, single submitter. Criteria: Ambry Variant Classification Scheme 2023. Collection method: clinical testing. Allele origin: germline.

Color Diagnostics, LLC DBA Color Health
Classification: Uncertain significance for Malignant hyperthermia, susceptibility to, 1. Last evaluated: 2025-09-01. Review status: criteria provided, single submitter. Criteria: ACMG Guidelines, 2015. Collection method: clinical testing. Allele origin: germline.
Comment: This missense variant replaces proline with threonine at codon 1736 of the RYR1 protein. Computational prediction suggests that this variant may have deleterious impact on protein structure and function. To our knowledge, functional studies have not been reported for this variant. This variant has not been reported in individuals affected with RYR1-related disorders in the literature. This variant has been identified in 2/245648 chromosomes in the general population by the Genome Aggregation Database (gnomAD). The available evidence is insufficient to determine the role of this variant in disease conclusively. Therefore, this variant is classified as a Variant of Uncertain Significance.

Labcorp Genetics (formerly Invitae), Labcorp
Classification: Uncertain significance for RYR1-related disorder. Last evaluated: 2024-10-07. Review status: criteria provided, single submitter. Criteria: Invitae Variant Classification Sherloc (09022015). Collection method: clinical testing. Allele origin: germline.
Comment: This sequence change replaces proline, which is neutral and non-polar, with threonine, which is neutral and polar, at codon 1736 of the RYR1 protein (p.Pro1736Thr). This variant is present in population databases (no rsID available, gnomAD 0.01%). This variant has not been reported in the literature in individuals affected with RYR1-related conditions. ClinVar contains an entry for this variant (Variation ID: 1955884). Invitae Evidence Modeling of protein sequence and biophysical properties (such as structural, functional, and spatial information, amino acid conservation, physicochemical variation, residue mobility, and thermodynamic stability) indicates that this missense variant is expected to disrupt RYR1 protein function with a positive predictive value of 80%. In summary, the available evidence is currently insufficient to determine the role of this variant in disease. Therefore, it has been classified as a Variant of Uncertain Significance.

All of Us Research Program, National Institutes of Health
Classification: Uncertain significance for Malignant hyperthermia, susceptibility to, 1. Last evaluated: 2024-06-11. Review status: criteria provided, single submitter. Criteria: ACMG Guidelines, 2015. Collection method: clinical testing. Allele origin: germline. Inheritance: Autosomal dominant inheritance. Observed: 2 variant alleles, 2 heterozygotes.
Comment: This missense variant replaces proline with threonine at codon 1736 of the RYR1 protein. Computational prediction suggests that this variant may have deleterious impact on protein structure and function (internally defined REVEL score threshold >= 0.7, PMID: 27666373). To our knowledge, functional studies have not been reported for this variant. This variant has not been reported in individuals affected with RYR1-related disorders in the literature. This variant has been identified in 2/245648 chromosomes in the general population by the Genome Aggregation Database (gnomAD). The available evidence is insufficient to determine the role of this variant in disease conclusively. Therefore, this variant is classified as a Variant of Uncertain Significance.

This study involves interpretation of variants in research participants for the purpose of population health screening. Participant phenotype was not available at the time of variant classification. Additional details can be found in publication PMID: 35346344, PMCID: PMC8962531

NM_000540.3(RYR1):c.5206C>A (p.Pro1736Thr)

Gene: RYR1 (ryanodine receptor 1; plus strand). Cytogenetic location: 19q13.2.
Variant type: single nucleotide variant.
Coding change: c.5206C>A on transcript NM_000540.3 (MANE Select); coding-DNA position 5206, C replaced by A.
Protein change: p.Pro1736Thr; replaces proline 1736 with threonine.
Molecular consequence: missense variant.
Genome position (GRCh38, 1-based): chr19:38,485,861, C>A. VCF-style: chr19-38485861-C-A. GRCh37 (hg19) VCF-style: chr19-38976501-C-A.
Other names: c.5206C>A, p.Pro1736Thr (NM_001042723.2); short protein forms P1736T.
Identifiers: ClinVar variation 1955884 (VCV001955884.8), dbSNP rs778862553, ClinGen allele CA405654164.
Genomic context (GRCh38, chr19:38,485,861, plus strand): 5'-AGCATCCACCTCGAAAGTGCCTGCCGCAGCCGCCGCTCCATGCTCTCTGAATACATCGTG[C>A]CCCTCACGCCTGAGACCCGCGCCATCACGCTCTTCCCTCCTGGAAGGAGCACAGAAAATG-3'
Protein context (NP_000531.2, residues 1726-1746): RRSMLSEYIV[Pro1736Thr]LTPETRAITL